The following is an entry in ClinVar:

NM_004560.4(ROR2):c.2014G>T (p.Asp672Tyr)

Gene: ROR2 (receptor tyrosine kinase like orphan receptor 2; minus strand). Cytogenetic location: 9q22.31.
Variant type: single nucleotide variant.
Coding change: c.2014G>T on transcript NM_004560.4 (MANE Select); coding-DNA position 2014, G replaced by T.
Protein change: p.Asp672Tyr; replaces aspartic acid 672 with tyrosine.
Molecular consequence: missense variant.
Genome position (GRCh38, 1-based): chr9:91,724,480, C>A on the plus strand (G>T on the coding strand, the complement: ROR2 is on the minus strand). VCF-style: chr9-91724480-C-A. GRCh37 (hg19) VCF-style: chr9-94486762-C-A.
Other names: c.2014G>T (NM_004560.3); short protein forms D672Y.
Identifiers: ClinVar variation 1683621 (VCV001683621.12), dbSNP rs55651110, ClinGen allele CA373796540.
Genomic context (GRCh38, chr9:91,724,480, plus strand): 5'-GCTGCAGGCCGTAGCTGAAGACCTCCCACAGGACCACACCGTAGGACCAGATGTCTGAGT[C>A]GATGGAGAACTTGCCGTACATGATGGCCTCTGGGGCCATCCAGCGGATAGGCAGCAGCGA-3'
Protein context (NP_004551.2, residues 662-682): EAIMYGKFSI[Asp672Tyr]SDIWSYGVVL

ClinVar aggregate classification (germline): Uncertain significance. Review status: criteria provided, multiple submitters, no conflicts (2 of 4 stars). 4 submissions from 4 submitters: Uncertain significance (4). Last evaluated 2026-03-02.

Conditions:
Autosomal recessive Robinow syndrome (RRS1). Also called: COSTOVERTEBRAL SEGMENTATION DEFECT WITH MESOMELIA; COVESDEM SYNDROME; ROBINOW SYNDROME, AUTOSOMAL RECESSIVE 1; ROR2-Related Robinow Syndrome. Identifiers: Orphanet 1507, Orphanet 97360, MedGen C5399974, MONDO:0009999, OMIM 268310.
Brachydactyly type B1 (BDB1). Identifiers: Orphanet 572385, Orphanet 93383, MedGen C1862112, MONDO:0007220, OMIM 113000.
Inborn genetic diseases. Identifiers: MedGen C0950123, MeSH D030342.

gnomAD v4.1: 7 of 1,614,172 alleles (0.00043%); highest among the groups gnomAD compares: Admixed American, 0.0033%; no homozygotes.

Submissions (4):

Ambry Genetics
Classification: Uncertain significance for Inborn genetic diseases. Last evaluated: 2026-03-02. Review status: criteria provided, single submitter. Criteria: Ambry Variant Classification Scheme 2023. Collection method: clinical testing. Allele origin: germline.
Comment: The c.2014G>T (p.D672Y) alteration is located in exon 9 (coding exon 9) of the ROR2 gene. This alteration results from a G to T substitution at nucleotide position 2014, causing the aspartic acid (D) at amino acid position 672 to be replaced by a tyrosine (Y). Based on data from gnomAD, the T allele has an overall frequency of <0.001% (1/251330) total alleles studied. The highest observed frequency was 0.003% (1/34576) of Latino alleles. Based on insufficient or conflicting evidence, the clinical significance of this alteration remains unclear.

Labcorp Genetics (formerly Invitae), Labcorp
Classification: Uncertain significance. Last evaluated: 2025-10-19. Review status: criteria provided, single submitter. Criteria: Invitae Variant Classification Sherloc (09022015). Collection method: clinical testing. Allele origin: germline.
Comment: This sequence change replaces aspartic acid, which is acidic and polar, with tyrosine, which is neutral and polar, at codon 672 of the ROR2 protein (p.Asp672Tyr). This variant is present in population databases (no rsID available, gnomAD 0.003%). This variant has not been reported in the literature in individuals affected with ROR2-related conditions. ClinVar contains an entry for this variant (Variation ID: 1683621). Invitae Evidence Modeling of protein sequence and biophysical properties (such as structural, functional, and spatial information, amino acid conservation, physicochemical variation, residue mobility, and thermodynamic stability) has been performed for this missense variant. However, the output from this modeling did not meet the statistical confidence thresholds required to predict the impact of this variant on ROR2 protein function. In summary, the available evidence is currently insufficient to determine the role of this variant in disease. Therefore, it has been classified as a Variant of Uncertain Significance.

Fulgent Genetics
Classification: Uncertain significance for Brachydactyly type B1; Autosomal recessive Robinow syndrome. Last evaluated: 2024-02-28. Review status: criteria provided, single submitter. Criteria: ACMG Guidelines, 2015. Collection method: clinical testing. Allele origin: germline.

Laboratorio de Genetica e Diagnostico Molecular, Hospital Israelita Albert Einstein
Classification: Uncertain significance for Autosomal recessive Robinow syndrome. Last evaluated: 2021-06-01. Review status: criteria provided, single submitter. Criteria: ACMG Guidelines, 2015. Collection method: clinical testing. Allele origin: germline. Affected: yes.
Comment: ACMG classification criteria: PM2, PP3